The following is an entry in ClinVar:

NM_000159.4(GCDH):c.-35+19C>T

Genes: GCDH (glutaryl-CoA dehydrogenase; plus strand), LOC117125594 (CRISPRi-FlowFISH-validated KLF1 regulatory element; plus strand). Cytogenetic location: 19p13.13.
Variant type: single nucleotide variant.
Coding change: c.-35+19C>T on transcript NM_000159.4 (MANE Select); 19 bases into the intron after 35 bases upstream of the start codon, C replaced by T.
Molecular consequence: intron variant.
Genome position (GRCh38, 1-based): chr19:12,891,221, C>T. VCF-style: chr19-12891221-C-T. GRCh37 (hg19) VCF-style: chr19-13002035-C-T.
Other names: c.-35+19C>T (NM_013976.5).
Identifiers: ClinVar variation 680173 (VCV000680173.1), dbSNP rs1056090401, ClinGen allele CA305500146.
Genomic context (GRCh38, chr19:12,891,221, plus strand): 5'-GTTGCACTGTAGCCTCGGCAGTGAACCGGGAGGTACTACCAGGTAAGGAAGGTGCGGTAG[C>T]CCCAGCCGTGGGTGAGAGGAGCTCCGCTCTGACACCCCCGCTCCTGTAGGTCGCCGTCGT-3'

ClinVar aggregate classification (germline): Likely benign (1 of 4 stars; one submission).

Allele frequency attached by ClinVar (database versions not stated): gnomAD 0.00006; TOPMed 0.00006; 1000 Genomes Project 30x 0.00031.
gnomAD v4.1: 116 of 1,120,624 alleles (0.01%); highest among the groups gnomAD compares: Admixed American, 0.059%; no homozygotes.

Submission:

GeneDx
Classification: Likely benign. Last evaluated: 2018-03-14. Review status: criteria provided, single submitter. Criteria: GeneDx Variant Classification (06012015). Collection method: clinical testing. Allele origin: germline. Affected: yes.
Comment: This variant is considered likely benign or benign based on one or more of the following criteria: it is a conservative change, it occurs at a poorly conserved position in the protein, it is predicted to be benign by multiple in silico algorithms, and/or has population frequency not consistent with disease.